The following is an entry in ClinVar:

NM_004320.6(ATP2A1):c.1294G>A (p.Gly432Ser)

Gene: ATP2A1 (ATPase sarcoplasmic/endoplasmic reticulum Ca2+ transporting 1; plus strand). Cytogenetic location: 16p11.2.
Variant type: single nucleotide variant.
Coding change: c.1294G>A on transcript NM_004320.6 (MANE Select); coding-DNA position 1294, G replaced by A.
Protein change: p.Gly432Ser; replaces glycine 432 with serine.
Molecular consequence: missense variant.
Genome position (GRCh38, 1-based): chr16:28,894,828, G>A. VCF-style: chr16-28894828-G-A. GRCh37 (hg19) VCF-style: chr16-28906149-G-A.
Other names: c.919G>A, p.Gly307Ser (NM_001286075.2); c.1294G>A, p.Gly432Ser (NM_173201.5); short protein forms G432S, G307S.
Identifiers: ClinVar variation 464072 (VCV000464072.9), dbSNP rs752021942, ClinGen allele CA7986922.
Genomic context (GRCh38, chr16:28,894,828, plus strand): 5'-TGACAGGTAGGAGCCTGGGGCACCGACTTCCTCTTCCTCCTCTGCCCATCTCAGGCCAAA[G>A]GTGTCTATGAGAAGGTCGGCGAGGCCACCGAGACAGCACTCACCACCCTGGTGGAGAAGA-3'
Protein context (NP_004311.1, residues 422-442): DSSLDFNEAK[Gly432Ser]VYEKVGEATE

ClinVar aggregate classification (germline): Uncertain significance (1 of 4 stars; one submission).

Conditions:
Brody myopathy. Also called: BRODY DISEASE. Identifiers: Orphanet 53347, MedGen C1832918, MONDO:0010977, OMIM 601003.

Allele frequency attached by ClinVar (database versions not stated): gnomAD exomes below 0.00001; ExAC 0.00001.
gnomAD v4.1: 2 of 1,611,662 alleles (0.00012%); highest among the groups gnomAD compares: East Asian, 0.0045%; no homozygotes.

Submission:

Labcorp Genetics (formerly Invitae), Labcorp
Classification: Uncertain significance for Brody myopathy. Last evaluated: 2022-07-19. Review status: criteria provided, single submitter. Criteria: Invitae Variant Classification Sherloc (09022015). Collection method: clinical testing. Allele origin: germline.
Comment: In summary, the available evidence is currently insufficient to determine the role of this variant in disease. Therefore, it has been classified as a Variant of Uncertain Significance. Algorithms developed to predict the effect of missense changes on protein structure and function are either unavailable or do not agree on the potential impact of this missense change (SIFT: "Tolerated"; PolyPhen-2: "Possibly Damaging"; Align-GVGD: "Class C0"). ClinVar contains an entry for this variant (Variation ID: 464072). This variant has not been reported in the literature in individuals affected with ATP2A1-related conditions. This variant is not present in population databases (gnomAD no frequency). This sequence change replaces glycine, which is neutral and non-polar, with serine, which is neutral and polar, at codon 432 of the ATP2A1 protein (p.Gly432Ser).